The following is an entry in ClinVar:

ClinVar aggregate classification (germline): Benign (1 of 4 stars; one submission).

Allele frequency attached by ClinVar (database versions not stated): gnomAD 0.18674; 1000 Genomes Project 0.19828; 1000 Genomes Project 30x 0.20019; TOPMed 0.20077.
gnomAD v4.1: 241,744 of 1,548,998 alleles (16%); highest among the groups gnomAD compares: Admixed American, 37%; 21,289 homozygotes.

Submission:

Unidad de Genómica Garrahan, Hospital de Pediatría Garrahan
Classification: Benign. Last evaluated: 2024-01-24. Review status: criteria provided, single submitter. Criteria: ACMG Guidelines, 2015. Collection method: clinical testing. Allele origin: germline. Affected: no. Observed: 53 variant alleles.
Comment: This variant is classified as Benign based on local population frequency. This variant was detected in 56% of patients studied by a panel of primary immunodeficiencies. Number of patients: 53. Only high quality variants are reported.

NM_003177.7(SYK):c.1391+69C>T

Gene: SYK (spleen associated tyrosine kinase; plus strand). Cytogenetic location: 9q22.2.
Variant type: single nucleotide variant.
Coding change: c.1391+69C>T on transcript NM_003177.7 (MANE Select); 69 bases into the intron after coding-DNA position 1391, C replaced by T.
Molecular consequence: intron variant.
Genome position (GRCh38, 1-based): chr9:90,877,849, C>T. VCF-style: chr9-90877849-C-T. GRCh37 (hg19) VCF-style: chr9-93640131-C-T.
Other names: c.1322+69C>T (NM_001174168.3, NM_001135052.4); c.1391+69C>T (NM_001174167.3).
Identifiers: ClinVar variation 2688090 (VCV002688090.2), dbSNP rs2290885, ClinGen allele CA15590022.